The following is an entry in ClinVar:

NM_001113378.2(FANCI):c.3419C>T (p.Thr1140Ile)

Gene: FANCI (FA complementation group I; plus strand). Cytogenetic location: 15q26.1.
Variant type: single nucleotide variant.
Coding change: c.3419C>T on transcript NM_001113378.2 (MANE Select); coding-DNA position 3419, C replaced by T.
Protein change: p.Thr1140Ile; replaces threonine 1140 with isoleucine.
Molecular consequence: missense variant.
Genome position (GRCh38, 1-based): chr15:89,306,076, C>T. VCF-style: chr15-89306076-C-T. GRCh37 (hg19) VCF-style: chr15-89849307-C-T.
Other names: c.3140C>T, p.Thr1047Ile (NM_001376910.1); c.3419C>T, p.Thr1140Ile (NM_001376911.1); c.3239C>T, p.Thr1080Ile (NM_018193.3); short protein forms T1140I, T1080I, T1047I.
Identifiers: ClinVar variation 435163 (VCV000435163.14), dbSNP rs142969866, ClinGen allele CA7723714.

ClinVar aggregate classification (germline): Uncertain significance. Review status: criteria provided, multiple submitters, no conflicts (2 of 4 stars). 5 submissions from 5 submitters: Uncertain significance (5). Last evaluated 2025-05-21.

Conditions:
Inborn genetic diseases. Identifiers: MedGen C0950123, MeSH D030342.
Fanconi anemia (FA). Also called: Fanconi's anemia. Identifiers: Orphanet 84, MedGen C0015625, MeSH D005199, MONDO:0019391.
Fanconi anemia complementation group I (FANCI). Also called: FANCI-Related Fanconi Anemia. Identifiers: Orphanet 84, MedGen C1836861, MONDO:0012186, OMIM 609053.

Allele frequency attached by ClinVar (database versions not stated): gnomAD exomes 0.00001 and 0.00003; ExAC 0.00003; ESP Exome Variant Server 0.00008; gnomAD 0.00015 and 0.00019; 1000 Genomes Project 30x 0.00016; 1000 Genomes Project 0.00020; TOPMed 0.00026.
gnomAD v4.1: 42 of 1,614,226 alleles (0.0026%); highest among the groups gnomAD compares: African/African-American, 0.048%; no homozygotes.

Submissions (5):

Ambry Genetics
Classification: Uncertain significance for Inborn genetic diseases. Last evaluated: 2025-05-21. Review status: criteria provided, single submitter. Criteria: Ambry Variant Classification Scheme 2023. Collection method: clinical testing. Allele origin: germline.

Fulgent Genetics
Classification: Uncertain significance for Fanconi anemia complementation group I. Last evaluated: 2024-06-11. Review status: criteria provided, single submitter. Criteria: ACMG Guidelines, 2015. Collection method: clinical testing. Allele origin: germline.

Labcorp Genetics (formerly Invitae), Labcorp
Classification: Uncertain significance for Fanconi anemia. Last evaluated: 2022-08-23. Review status: criteria provided, single submitter. Criteria: Invitae Variant Classification Sherloc (09022015). Collection method: clinical testing. Allele origin: germline.
Comment: This sequence change replaces threonine, which is neutral and polar, with isoleucine, which is neutral and non-polar, at codon 1140 of the FANCI protein (p.Thr1140Ile). This variant is present in population databases (rs142969866, gnomAD 0.04%). This variant has not been reported in the literature in individuals affected with FANCI-related conditions. ClinVar contains an entry for this variant (Variation ID: 435163). Algorithms developed to predict the effect of missense changes on protein structure and function (SIFT, PolyPhen-2, Align-GVGD) all suggest that this variant is likely to be tolerated. In summary, the available evidence is currently insufficient to determine the role of this variant in disease. Therefore, it has been classified as a Variant of Uncertain Significance.

Sema4
Classification: Uncertain significance for Fanconi anemia. Last evaluated: 2021-12-11. Review status: criteria provided, single submitter. Criteria: Sema4 Curation Guidelines. Collection method: curation. Allele origin: germline.
Comment: The FANCI c.3419C>T (p.T1140I) variant has not been reported in the literature to our knowledge. It was observed in 9/24970 chromosomes of the African subpopulation in the large and broad cohorts of the Genome Aggregation Database (PMID: 32461654), and has been reported in ClinVar (Variation ID 435163). Functional studies have not been performed, and in silico predictions of the variant's effect on protein function are inconclusive. The evidence is insufficient to meet ACMG/AMP criteria for classifying the variant as benign or pathogenic. Thus, the clinical significance of this variant is currently uncertain.

Genetic Services Laboratory, University of Chicago
Classification: Uncertain significance. Last evaluated: 2016-05-18. Review status: criteria provided, single submitter. Criteria: ACMG Guidelines, 2015. Collection method: clinical testing. Allele origin: germline. Affected: no.